The following is an entry in ClinVar:

ClinVar aggregate classification (germline): Uncertain significance. Review status: criteria provided, multiple submitters, no conflicts (2 of 4 stars). 2 submissions from 2 submitters: Uncertain significance (2). Last evaluated 2025-09-04.

Conditions:
Inborn genetic diseases. Identifiers: MedGen C0950123, MeSH D030342.
Fanconi anemia complementation group A (FANCA). Also called: Fanconi anemia, group A; FANCA-Related Fanconi Anemia. Identifiers: Orphanet 84, MedGen C3469521, MONDO:0009215, OMIM 227650.

Submissions (2):

Ambry Genetics
Classification: Uncertain significance for Inborn genetic diseases. Last evaluated: 2025-09-04. Review status: criteria provided, single submitter. Criteria: Ambry Variant Classification Scheme 2023. Collection method: clinical testing. Allele origin: germline.
Comment: The p.F1052S variant (also known as c.3155T>C), located in coding exon 32 of the FANCA gene, results from a T to C substitution at nucleotide position 3155. The phenylalanine at codon 1052 is replaced by serine, an amino acid with highly dissimilar properties. This amino acid position is conserved. In addition, the in silico prediction for this alteration is inconclusive. Based on the available evidence, the clinical significance of this variant remains unclear.

St. Jude Molecular Pathology, St. Jude Children's Research Hospital
Classification: Uncertain significance for Fanconi anemia complementation group A. Last evaluated: 2022-07-05. Review status: criteria provided, single submitter. Criteria: St. Jude Assertion Criteria 2020. Collection method: clinical testing. Allele origin: germline.
Comment: The FANCA c.3155T>C (p.Phe1052Ser) missense change is absent in gnomAD v2.1.1. The in silico tool REVEL predicts a deleterious effect on protein function, but to our knowledge this prediction has not been confirmed by functional studies. To our knowledge, this variant has not been reported in individuals with Fanconi anemia. In summary, the evidence currently available is insufficient to determine the role of this variant in Fanconi anemia. It has therefore been classified as of uncertain significance.

NM_000135.4(FANCA):c.3155T>C (p.Phe1052Ser)

Gene: FANCA (FA complementation group A; minus strand). Cytogenetic location: 16q24.3.
Variant type: single nucleotide variant.
Coding change: c.3155T>C on transcript NM_000135.4 (MANE Select); coding-DNA position 3155, T replaced by C.
Protein change: p.Phe1052Ser; replaces phenylalanine 1052 with serine.
Molecular consequence: missense variant.
Genome position (GRCh38, 1-based): chr16:89,749,814, A>G on the plus strand (T>C on the coding strand, the complement: FANCA is on the minus strand). VCF-style: chr16-89749814-A-G. GRCh37 (hg19) VCF-style: chr16-89816222-A-G.
Other names: c.3155T>C, p.Phe1052Ser (NM_001286167.3); short protein forms F1052S.
Identifiers: ClinVar variation 1710963 (VCV001710963.2), dbSNP rs2544130008, ClinGen allele CA397486579.